The following is an entry in ClinVar:

ClinVar aggregate classification (germline): Uncertain significance (1 of 4 stars; one submission).

Allele frequency attached by ClinVar (database versions not stated): gnomAD 0.00006; TOPMed 0.00008.
gnomAD v4.1: 21 of 1,432,134 alleles (0.0015%); highest among the groups gnomAD compares: African/African-American, 0.022%; no homozygotes.

Submission:

Labcorp Genetics (formerly Invitae), Labcorp
Classification: Uncertain significance. Last evaluated: 2025-07-27. Review status: criteria provided, single submitter. Criteria: Invitae Variant Classification Sherloc (09022015). Collection method: clinical testing. Allele origin: germline.
Comment: This sequence change replaces alanine, which is neutral and non-polar, with valine, which is neutral and non-polar, at codon 357 of the ARHGEF1 protein (p.Ala357Val). The frequency data for this variant in the population databases is considered unreliable, as metrics indicate poor data quality at this position in the gnomAD database. This variant has not been reported in the literature in individuals affected with ARHGEF1-related conditions. ClinVar contains an entry for this variant (Variation ID: 2417865). An algorithm developed to predict the effect of missense changes on protein structure and function (PolyPhen-2) suggests that this variant is likely to be tolerated. In summary, the available evidence is currently insufficient to determine the role of this variant in disease. Therefore, it has been classified as a Variant of Uncertain Significance.

NM_004706.4(ARHGEF1):c.1025C>T (p.Ala342Val)

Gene: ARHGEF1 (Rho guanine nucleotide exchange factor 1; plus strand). Cytogenetic location: 19q13.2.
Variant type: single nucleotide variant.
Coding change: c.1025C>T on transcript NM_004706.4 (MANE Select); coding-DNA position 1025, C replaced by T.
Protein change: p.Ala342Val; replaces alanine 342 with valine.
Molecular consequence: missense variant. On other transcripts: non-coding transcript variant (2).
Genome position (GRCh38, 1-based): chr19:41,896,386, C>T. VCF-style: chr19-41896386-C-T. GRCh37 (hg19) VCF-style: chr19-42400459-C-T.
Other names: c.1025C>T, p.Ala342Val (NM_001396000.1, NM_001396003.1, NM_001396006.1); c.926C>T, p.Ala309Val (NM_001396002.1, NM_001396004.1, NM_198977.2); c.1070C>T, p.Ala357Val (NM_199002.2); short protein forms A309V, A342V, A357V.
Identifiers: ClinVar variation 2417865 (VCV002417865.6), dbSNP rs781895882, ClinGen allele CA9466169.
Genomic context (GRCh38, chr19:41,896,386, plus strand): 5'-TCTCGTGGCCGCAGAGGCCTTCCAGCCAGCCCTGCTCCCTCCACCCCACAGGTGCTGACG[C>T]CCCCCTGGAGCTGGGGGACTCATCCCCGCAGGGCCCAATGAGCCTGGAGTCCTTGGCGCC-3'
Protein context (NP_004697.2, residues 332-352): DSPDREPGAD[Ala342Val]PLELGDSSPQ